The following is an entry in ClinVar:

NM_001805.4(CEBPE):c.352G>T (p.Val118Leu)

Gene: CEBPE (CCAAT enhancer binding protein epsilon; minus strand). Cytogenetic location: 14q11.2.
Variant type: single nucleotide variant.
Coding change: c.352G>T on transcript NM_001805.4 (MANE Select); coding-DNA position 352, G replaced by T.
Protein change: p.Val118Leu; replaces valine 118 with leucine.
Molecular consequence: missense variant.
Genome position (GRCh38, 1-based): chr14:23,118,740, C>A on the plus strand (G>T on the coding strand, the complement: CEBPE is on the minus strand). VCF-style: chr14-23118740-C-A. GRCh37 (hg19) VCF-style: chr14-23587949-C-A.
Other names: short protein forms V118L.
Identifiers: ClinVar variation 941450 (VCV000941450.10), dbSNP rs749080899, ClinGen allele CA388953223.
Genomic context (GRCh38, chr14:23,118,740, plus strand): 5'-AGCTGCCTCGGCTGGCAGCTCGGCTGCCCTCTGGCCCCCGGGGCTCCTCCTTCACCGCCA[C>A]AGCCCTGGGGTCGTAGCTCCCTGGGCTGCTGTAGATGCCAGGCCCCAGCGCCTTCCTGTC-3'
Protein context (NP_001796.2, residues 108-128): SSPGSYDPRA[Val118Leu]AVKEEPRGPE

ClinVar aggregate classification (germline): Uncertain significance (1 of 4 stars; one submission).

Conditions:
Specific granule deficiency. Identifiers: Orphanet 169142, MedGen C0398593, MONDO:0009506.

Submission:

Labcorp Genetics (formerly Invitae), Labcorp
Classification: Uncertain significance for Specific granule deficiency. Last evaluated: 2024-02-17. Review status: criteria provided, single submitter. Criteria: Invitae Variant Classification Sherloc (09022015). Collection method: clinical testing. Allele origin: germline.
Comment: This sequence change replaces valine, which is neutral and non-polar, with leucine, which is neutral and non-polar, at codon 118 of the CEBPE protein (p.Val118Leu). This variant is not present in population databases (gnomAD no frequency). This variant has not been reported in the literature in individuals affected with CEBPE-related conditions. ClinVar contains an entry for this variant (Variation ID: 941450). An algorithm developed to predict the effect of missense changes on protein structure and function (PolyPhen-2) suggests that this variant is likely to be tolerated. In summary, the available evidence is currently insufficient to determine the role of this variant in disease. Therefore, it has been classified as a Variant of Uncertain Significance.